The following is an entry in ClinVar:

NM_006914.4(RORB):c.893-43_893-2del

Gene: RORB (RAR related orphan receptor B; plus strand). Cytogenetic location: 9q21.13.
Variant type: Deletion.
Coding change: c.893-43_893-2del on transcript NM_006914.4 (MANE Select); 43 bases into the intron before coding-DNA position 893 through the canonical splice acceptor site of the intron before coding-DNA position 893, 42 bases deleted.
Molecular consequence: splice acceptor variant.
Genome position (GRCh38, 1-based): chr9:74,665,445-74,665,486, 42 bases deleted; deleting any 42 consecutive bases within chr9:74,665,442-74,665,486 gives the same sequence; the c. name uses the placement nearest the transcript's 3' end. GRCh37 (hg19): chr9:77,280,361-77,280,402.
Other names: c.926-43_926-2del (NM_001365023.1).
Identifiers: ClinVar variation 3001315 (VCV003001315.3), dbSNP rs1824249337, ClinGen allele CA1855983678.

ClinVar aggregate classification (germline): Uncertain significance (1 of 4 stars; one submission).

Submission:

Labcorp Genetics (formerly Invitae), Labcorp
Classification: Uncertain significance. Last evaluated: 2024-12-02. Review status: criteria provided, single submitter. Criteria: Invitae Variant Classification Sherloc (09022015). Collection method: clinical testing. Allele origin: germline.
Comment: This sequence change falls in intron 6 of the RORB gene. It does not directly change the encoded amino acid sequence of the RORB protein. This variant is not present in population databases (gnomAD no frequency). This variant has not been reported in the literature in individuals affected with RORB-related conditions. ClinVar contains an entry for this variant (Variation ID: 3001315). Experimental studies and prediction algorithms are not available or were not evaluated, and the effect of this variant on mRNA splicing is currently unknown. In summary, the available evidence is currently insufficient to determine the role of this variant in disease. Therefore, it has been classified as a Variant of Uncertain Significance.